The following is an entry in ClinVar:

ClinVar aggregate classification (germline): Uncertain significance. Review status: criteria provided, multiple submitters, no conflicts (2 of 4 stars). 2 submissions from 2 submitters: Uncertain significance (2). Last evaluated 2022-07-11.

Conditions:
Inborn genetic diseases. Identifiers: MedGen C0950123, MeSH D030342.

gnomAD v4.1: 46 of 1,614,230 alleles (0.0028%); highest among the groups gnomAD compares: Non-Finnish European, 0.0033%; no homozygotes.

Submissions (2):

Labcorp Genetics (formerly Invitae), Labcorp
Classification: Uncertain significance. Last evaluated: 2022-07-11. Review status: criteria provided, single submitter. Criteria: Invitae Variant Classification Sherloc (09022015). Collection method: clinical testing. Allele origin: germline.
Comment: This sequence change replaces leucine, which is neutral and non-polar, with valine, which is neutral and non-polar, at codon 1585 of the CAD protein (p.Leu1585Val). This variant is present in population databases (no rsID available, gnomAD 0.0009%). This variant has not been reported in the literature in individuals affected with CAD-related conditions. Algorithms developed to predict the effect of missense changes on protein structure and function (SIFT, PolyPhen-2, Align-GVGD) all suggest that this variant is likely to be tolerated. In summary, the available evidence is currently insufficient to determine the role of this variant in disease. Therefore, it has been classified as a Variant of Uncertain Significance.

Ambry Genetics
Classification: Uncertain significance for Inborn genetic diseases. Last evaluated: 2022-03-21. Review status: criteria provided, single submitter. Criteria: Ambry Variant Classification Scheme 2023. Collection method: clinical testing. Allele origin: germline.

NM_004341.5(CAD):c.4753C>G (p.Leu1585Val)

Gene: CAD (carbamoyl-phosphate synthetase 2, aspartate transcarbamylase, and dihydroorotase; plus strand). Cytogenetic location: 2p23.3.
Variant type: single nucleotide variant.
Coding change: c.4753C>G on transcript NM_004341.5 (MANE Select); coding-DNA position 4753, C replaced by G.
Protein change: p.Leu1585Val; replaces leucine 1585 with valine.
Molecular consequence: missense variant.
Genome position (GRCh38, 1-based): chr2:27,238,080, C>G. VCF-style: chr2-27238080-C-G. GRCh37 (hg19) VCF-style: chr2-27460948-C-G.
Other names: c.4564C>G, p.Leu1522Val (NM_001306079.2); short protein forms L1585V, L1522V.
Identifiers: ClinVar variation 2119479 (VCV002119479.2), dbSNP rs997368572, ClinGen allele CA346221375.